The following is an entry in ClinVar:

ClinVar aggregate classification (germline): Uncertain significance (1 of 4 stars; one submission).

Conditions:
Hereditary cancer-predisposing syndrome. Also called: Neoplastic Syndromes, Hereditary; Tumor predisposition; Hereditary neoplastic syndrome; Hereditary Cancer Syndrome. Identifiers: Orphanet 140162, MedGen C0027672, MeSH D009386, MONDO:0015356.
Cardiovascular phenotype. Identifiers: MedGen CN230736.

gnomAD v4.1: 1 of 1,612,112 alleles (0.000062%); highest among the groups gnomAD compares: Non-Finnish European, 0.000085%; no homozygotes.

Submission:

Ambry Genetics
Classification: Uncertain significance for Cardiovascular phenotype; Hereditary cancer-predisposing syndrome. Last evaluated: 2023-09-05. Review status: criteria provided, single submitter. Criteria: Ambry Variant Classification Scheme 2023. Collection method: clinical testing. Allele origin: germline.
Comment: The p.V550L variant (also known as c.1648G>C), located in coding exon 15 of the LZTR1 gene, results from a G to C substitution at nucleotide position 1648. The valine at codon 550 is replaced by leucine, an amino acid with highly similar properties. This amino acid position is conserved. In addition, the in silico prediction for this alteration is inconclusive. Since supporting evidence is limited at this time, the clinical significance of this alteration remains unclear.

NM_006767.4(LZTR1):c.1648G>C (p.Val550Leu)

Gene: LZTR1 (leucine zipper like post translational regulator 1; plus strand). Cytogenetic location: 22q11.21.
Variant type: single nucleotide variant.
Coding change: c.1648G>C on transcript NM_006767.4 (MANE Select); coding-DNA position 1648, G replaced by C.
Protein change: p.Val550Leu; replaces valine 550 with leucine.
Molecular consequence: missense variant.
Genome position (GRCh38, 1-based): chr22:20,994,590, G>C. VCF-style: chr22-20994590-G-C. GRCh37 (hg19) VCF-style: chr22-21348879-G-C.
Other names: short protein forms V550L.
Identifiers: ClinVar variation 3238117 (VCV003238117.1), dbSNP rs1354044140.